The following is an entry in ClinVar:

ClinVar aggregate classification (germline): Likely pathogenic (1 of 4 stars; one submission).

Conditions:
Mucopolysaccharidosis, MPS-IV-A (MPS4A). Also called: Morquio syndrome A, mild; MORQUIO SYNDROME A; GALACTOSAMINE-6-SULFATASE DEFICIENCY; GALNS DEFICIENCY; MORQUIO A DISEASE; Mucopolysaccharidosis type IV A. Identifiers: Orphanet 309297, Orphanet 582, MedGen C0086651, MONDO:0009659, OMIM 253000.

Submission:

Labcorp Genetics (formerly Invitae), Labcorp
Classification: Likely pathogenic for Mucopolysaccharidosis, MPS-IV-A. Last evaluated: 2024-09-04. Review status: criteria provided, single submitter. Criteria: Invitae Variant Classification Sherloc (09022015). Collection method: clinical testing. Allele origin: germline.
Comment: This sequence change replaces alanine, which is neutral and non-polar, with glycine, which is neutral and non-polar, at codon 84 of the GALNS protein (p.Ala84Gly). This variant is not present in population databases (gnomAD no frequency). This variant has not been reported in the literature in individuals affected with GALNS-related conditions. Invitae Evidence Modeling of protein sequence and biophysical properties (such as structural, functional, and spatial information, amino acid conservation, physicochemical variation, residue mobility, and thermodynamic stability) indicates that this missense variant is expected to disrupt GALNS protein function with a positive predictive value of 95%. This variant disrupts the p.Ala84 amino acid residue in GALNS. Other variant(s) that disrupt this residue have been determined to be pathogenic (PMID: 24726177, 34387910). This suggests that this residue is clinically significant, and that variants that disrupt this residue are likely to be disease-causing. In summary, the currently available evidence indicates that the variant is pathogenic, but additional data are needed to prove that conclusively. Therefore, this variant has been classified as Likely Pathogenic.

Literature cited by the submitters: PubMed 24726177; PubMed 34387910.

NM_000512.5(GALNS):c.251C>G (p.Ala84Gly)

Gene: GALNS (galactosamine (N-acetyl)-6-sulfatase; minus strand). Cytogenetic location: 16q24.3.
Variant type: single nucleotide variant.
Coding change: c.251C>G on transcript NM_000512.5 (MANE Select); coding-DNA position 251, C replaced by G.
Protein change: p.Ala84Gly; replaces alanine 84 with glycine.
Molecular consequence: missense variant. On other transcripts: 5 prime UTR variant (1).
Genome position (GRCh38, 1-based): chr16:88,841,965, G>C on the plus strand (C>G on the coding strand, the complement: GALNS is on the minus strand). VCF-style: chr16-88841965-G-C. GRCh37 (hg19) VCF-style: chr16-88908373-G-C.
Other names: c.-305C>G (NM_001323543.2); c.269C>G, p.Ala90Gly (NM_001323544.2); short protein forms A90G, A84G.
Identifiers: ClinVar variation 3699303 (VCV003699303.2).